The following is an entry in ClinVar:

ClinVar aggregate classification (germline): Uncertain significance (1 of 4 stars; one submission).

Conditions:
Hereditary cancer-predisposing syndrome. Also called: Neoplastic Syndromes, Hereditary; Tumor predisposition; Hereditary Cancer Syndrome; Hereditary neoplastic syndrome. Identifiers: Orphanet 140162, MedGen C0027672, MeSH D009386, MONDO:0015356.

Submission:

Ambry Genetics
Classification: Uncertain significance for Hereditary cancer-predisposing syndrome. Last evaluated: 2015-02-24. Review status: criteria provided, single submitter. Criteria: Ambry Variant Classification Scheme 2023. Collection method: clinical testing. Allele origin: germline.
Comment: The p.N277S variant (also known as c.830A>G), located in coding exon 7 of the NBN gene, results from an A to G substitution at nucleotide position 830. The asparagine at codon 277 is replaced by serine, an amino acid with highly similar properties. This variant was not reported in population based cohorts in the following databases: Database of Single Nucleotide Polymorphisms (dbSNP), NHLBI Exome Sequencing Project (ESP), and 1000 Genomes Project. In the ESP, this variant was not observed in 6503 samples (13006 alleles) with coverage at this position. To date, this alteration has been detected with an allele frequency of approximately 0.003% (greater than 40000 alleles tested) in our clinical cohort. This amino acid position is not well conserved in available vertebrate species. In addition, this alteration is predicted to be tolerated by in silico analysis. Since supporting evidence is limited at this time, the clinical significance of p.N277S remains unclear.

NM_002485.5(NBN):c.830A>G (p.Asn277Ser)

Gene: NBN (nibrin; minus strand). Cytogenetic location: 8q21.3.
Variant type: single nucleotide variant.
Coding change: c.830A>G on transcript NM_002485.5 (MANE Select); coding-DNA position 830, A replaced by G.
Protein change: p.Asn277Ser; replaces asparagine 277 with serine.
Molecular consequence: missense variant.
Genome position (GRCh38, 1-based): chr8:89,970,430, T>C on the plus strand (A>G on the coding strand, the complement: NBN is on the minus strand). VCF-style: chr8-89970430-T-C. GRCh37 (hg19) VCF-style: chr8-90982658-T-C.
Other names: c.584A>G, p.Asn195Ser (NM_001024688.3); short protein forms N277S, N195S.
Identifiers: ClinVar variation 230459 (VCV000230459.5), dbSNP rs876658579, ClinGen allele CA10578790.